The following is an entry in ClinVar:

NM_000191.3(HMGCL):c.610del (p.Asp204fs)

Gene: HMGCL (3-hydroxy-3-methylglutaryl-CoA lyase; minus strand). Cytogenetic location: 1p36.11.
Variant type: Deletion.
Coding change: c.610del on transcript NM_000191.3 (MANE Select); coding-DNA position 610, one base deleted (G; older notation c.610delG).
Protein change: p.Asp204fs; shifts the reading frame from aspartic acid 204.
Molecular consequence: frameshift variant.
Genome position (GRCh38, 1-based): chr1:23,808,275, C deleted on the plus strand (G on the coding strand, the reverse complement: HMGCL is on the minus strand); the first of 5 consecutive C bases (chr1:23,808,275-23,808,279); deleting any one gives the same sequence. VCF-style (leftmost placement, unchanged base first): chr1-23808274-TC-T. GRCh37 (hg19) VCF-style: chr1-24134764-TC-T.
Other names: c.397del, p.Asp133fs (NM_001166059.2); c.610delG (NM_000191.2); short protein forms D204fs, D133fs.
Identifiers: ClinVar variation 1424729 (VCV001424729.12), dbSNP rs2148419170, ClinGen allele CA2573132189.

ClinVar aggregate classification (germline): Pathogenic/Likely pathogenic. Review status: criteria provided, multiple submitters, no conflicts (2 of 4 stars). 4 submissions from 4 submitters: Pathogenic (2); Likely pathogenic (2). Last evaluated 2025-02-11.

Conditions:
Deficiency of hydroxymethylglutaryl-CoA lyase (HMGCLD). Also called: Defect in leucine metabolism; 3-hydroxy-3-methylglutaric aciduria; HMG-CoA LYASE DEFICIENCY; HMGCL DEFICIENCY; HYDROXYMETHYLGLUTARIC ACIDURIA. Identifiers: Orphanet 20, MedGen C1533587, MONDO:0009520, OMIM 246450.
Long chain 3-hydroxyacyl-CoA dehydrogenase deficiency. Also called: LCHAD Deficiency; Deficiency of long-chain 3-hydroxyacyl-coenzyme A dehydrogenase. Identifiers: Orphanet 5, MedGen C3711645, MONDO:0012173, OMIM 609016.

Submissions (4):

Natera, Inc.
Classification: Likely pathogenic for Deficiency of long-chain 3-hydroxyacyl-coenzyme A dehydrogenase. Last evaluated: 2025-02-11. Review status: criteria provided, single submitter. Criteria: Natera Variant Classification Schema (03/2026). Collection method: clinical testing. Allele origin: germline.
Comment: The c.610delG variant in HMGCL is a frameshift variant predicted to shift the reading frame beginning at codon 204 and leads to a stop codon 11 codons downstream. This variant is expected to result in nonsense mediated decay, truncation, or a dysfunctional protein product. This variant is rare in the general population with a frequency below the threshold expected for the associated phenotype(s). Given the available evidence, this variant is classified as Likely Pathogenic.

Victorian Clinical Genetics Services, Murdoch Childrens Research Institute
Classification: Pathogenic for Deficiency of hydroxymethylglutaryl-CoA lyase. Last evaluated: 2024-10-10. Review status: criteria provided, single submitter. Criteria: ACMG Guidelines, 2015. Collection method: clinical testing. Allele origin: germline. Inheritance: Autosomal recessive inheritance.
Comment: Based on the classification scheme VCGS_Germline_v1.3.5, this variant is classified as Pathogenic. Following criteria are met: 0102 - Loss of function is a known mechanism of disease in this gene and is associated with HMG-CoA lyase deficiency (MIM#246450). (I) 0106 - This gene is associated with autosomal recessive disease. (I) 0201 - Variant is predicted to cause nonsense-mediated decay (NMD) and loss of protein (premature termination codon is located at least 54 nucleotides upstream of the final exon-exon junction). (SP) 0251 - This variant is heterozygous. (I) 0301 - Variant is absent from gnomAD (v2, v3 and v4). (SP) 0701 - Other NMD-predicted variants comparable to the one identified in this case have very strong previous evidence for pathogenicity. Pathogenic NMD-predicted variants have been reported in multiple unrelated individuals with HMG-CoA lyase deficiency (DECIPHER, PMID: 33996180). (SP) 0803 - This variant has limited previous evidence of pathogenicity in unrelated individuals. This variant has been classified as likely pathogenic and pathogenic by clinical laboratories in ClinVar. (SP) 0905 - No published segregation evidence has been identified for this variant. (I) 1007 - No published functional evidence has been identified for this variant. (I)

Baylor Genetics
Classification: Likely pathogenic for Deficiency of hydroxymethylglutaryl-CoA lyase. Last evaluated: 2024-02-06. Review status: criteria provided, single submitter. Criteria: ACMG Guidelines, 2015. Collection method: clinical testing. Allele origin: unknown.

Labcorp Genetics (formerly Invitae), Labcorp
Classification: Pathogenic for Deficiency of hydroxymethylglutaryl-CoA lyase. Last evaluated: 2022-04-08. Review status: criteria provided, single submitter. Criteria: Invitae Variant Classification Sherloc (09022015). Collection method: clinical testing. Allele origin: germline.
Comment: This sequence change creates a premature translational stop signal (p.Asp204Thrfs*11) in the HMGCL gene. It is expected to result in an absent or disrupted protein product. Loss-of-function variants in HMGCL are known to be pathogenic (PMID: 9817922, 17692550, 23465862). This variant is not present in population databases (gnomAD no frequency). This variant has not been reported in the literature in individuals affected with HMGCL-related conditions. For these reasons, this variant has been classified as Pathogenic.

Literature cited by the submitters: PubMed 33996180 (cited by Victorian Clinical Genetics Services, Murdoch Childrens Research Institute); PubMed 9817922 (cited by Labcorp Genetics (formerly Invitae), Labcorp); PubMed 17692550 (cited by Labcorp Genetics (formerly Invitae), Labcorp); PubMed 23465862 (cited by Labcorp Genetics (formerly Invitae), Labcorp).